The following is an entry in ClinVar:

ClinVar aggregate classification (germline): Uncertain significance. Review status: criteria provided, single submitter (1 of 4 stars). 2 submissions from 2 submitters: Uncertain significance (1). 1 of the submissions does not count toward it. Last evaluated 2021-08-31.

Conditions:
Autosomal recessive polycystic kidney disease (ARPKD). Also called: AR polycystic kidney disease. Identifiers: Orphanet 731, Orphanet 8378, MedGen C0085548, MeSH D017044, MONDO:0009889.

Allele frequency attached by ClinVar (database versions not stated): gnomAD exomes below 0.00001 and 0.00001; ExAC 0.00001; gnomAD 0.00001; TOPMed 0.00001.
gnomAD v4.1: 5 of 1,614,068 alleles (0.00031%); highest among the groups gnomAD compares: Non-Finnish European, 0.00042%; no homozygotes.

Submissions (2):

Labcorp Genetics (formerly Invitae), Labcorp
Classification: Uncertain significance for Autosomal recessive polycystic kidney disease. Last evaluated: 2021-08-31. Review status: criteria provided, single submitter. Criteria: Invitae Variant Classification Sherloc (09022015). Collection method: clinical testing. Allele origin: germline.
Comment: This sequence change replaces arginine with methionine at codon 468 of the PKHD1 protein (p.Arg468Met). The arginine residue is moderately conserved and there is a moderate physicochemical difference between arginine and methionine. This variant is present in population databases (rs765645325, ExAC 0.001%). This variant has not been reported in the literature in individuals affected with PKHD1-related conditions. Algorithms developed to predict the effect of missense changes on protein structure and function are either unavailable or do not agree on the potential impact of this missense change (SIFT: "Deleterious"; PolyPhen-2: "Possibly Damaging"; Align-GVGD: "Class C0"). In summary, the available evidence is currently insufficient to determine the role of this variant in disease. Therefore, it has been classified as a Variant of Uncertain Significance.

Natera, Inc.
Classification: Uncertain significance for Autosomal recessive polycystic kidney disease. Last evaluated: 2018-11-29. Review status: no assertion criteria provided. Collection method: clinical testing. Allele origin: germline. Not counted in ClinVar's aggregate classification.

NM_138694.4(PKHD1):c.1403G>T (p.Arg468Met)

Gene: PKHD1 (PKHD1 ciliary IPT domain containing fibrocystin/polyductin; minus strand). Cytogenetic location: 6p12.2.
Variant type: single nucleotide variant.
Coding change: c.1403G>T on transcript NM_138694.4 (MANE Select); coding-DNA position 1403, G replaced by T.
Protein change: p.Arg468Met; replaces arginine 468 with methionine.
Molecular consequence: missense variant.
Genome position (GRCh38, 1-based): chr6:52,058,432, C>A on the plus strand (G>T on the coding strand, the complement: PKHD1 is on the minus strand). VCF-style: chr6-52058432-C-A. GRCh37 (hg19) VCF-style: chr6-51923230-C-A.
Other names: c.1403G>T, p.Arg468Met (NM_170724.3); short protein forms R468M.
Identifiers: ClinVar variation 1000931 (VCV001000931.11), dbSNP rs765645325, ClinGen allele CA3853567.